The following is an entry in ClinVar:

NM_004991.4(MECOM):c.470A>G (p.Tyr157Cys)

Gene: MECOM (MDS1 and EVI1 complex locus; minus strand). Cytogenetic location: 3q26.2.
Variant type: single nucleotide variant.
Coding change: c.470A>G on transcript NM_004991.4 (MANE Select); coding-DNA position 470, A replaced by G.
Protein change: p.Tyr157Cys; replaces tyrosine 157 with cysteine.
Molecular consequence: missense variant. On other transcripts: 5 prime UTR variant (12).
Genome position (GRCh38, 1-based): chr3:169,143,738, T>C on the plus strand (A>G on the coding strand, the complement: MECOM is on the minus strand). VCF-style: chr3-169143738-T-C. GRCh37 (hg19) VCF-style: chr3-168861526-T-C.
Other names: c.98A>G, p.Tyr33Cys (NM_001105077.4); c.-95A>G (NM_001105078.4, NM_001163999.2, NM_001164000.2 and 9 more transcripts); c.470A>G, p.Tyr157Cys (NM_001366466.2, NM_001366473.2); short protein forms Y157C, Y33C.
Identifiers: ClinVar variation 4053202 (VCV004053202.1).
Genomic context (GRCh38, chr3:169,143,738, plus strand): 5'-AGAAAATCTTTACAACATACCTGATCATTTATCTGGCATGCAACAAGGTTGTGCTGATCA[T>C]AACAGCCAGCGAATCTAATGTACTTGAGCCAGCTTCCAACATCTGGTTGACTGGCATCTA-3'
Protein context (NP_004982.2, residues 147-167): WLKYIRFAGC[Tyr157Cys]DQHNLVACQI

ClinVar aggregate classification (germline): Uncertain significance (1 of 4 stars; one submission).

Conditions:
Inborn genetic diseases. Identifiers: MedGen C0950123, MeSH D030342.

gnomAD v4.1: 3 of 1,611,808 alleles (0.00019%); highest among the groups gnomAD compares: Admixed American, 0.0017%; no homozygotes.

Submission:

Ambry Genetics
Classification: Uncertain significance for Inborn genetic diseases. Last evaluated: 2025-04-19. Review status: criteria provided, single submitter. Criteria: Ambry Variant Classification Scheme 2023. Collection method: clinical testing. Allele origin: germline.
Comment: The p.Y157C variant (also known as c.470A>G), located in coding exon 3 of the MECOM gene, results from an A to G substitution at nucleotide position 470. The tyrosine at codon 157 is replaced by cysteine, an amino acid with highly dissimilar properties. This amino acid position is conserved. In addition, this alteration is predicted to be tolerated by in silico analysis. Based on the available evidence, the clinical significance of this variant remains unclear.